The following is an entry in ClinVar:

ClinVar aggregate classification (germline): Uncertain significance (1 of 4 stars; one submission).

gnomAD v4.1: 4 of 1,505,034 alleles (0.00027%); highest among the groups gnomAD compares: Non-Finnish European, 0.00037%; no homozygotes.

Submission:

Labcorp Genetics (formerly Invitae), Labcorp
Classification: Uncertain significance. Last evaluated: 2024-05-09. Review status: criteria provided, single submitter. Criteria: Invitae Variant Classification Sherloc (09022015). Collection method: clinical testing. Allele origin: germline.
Comment: This sequence change falls in intron 3 of the POLE2 gene. It does not directly change the encoded amino acid sequence of the POLE2 protein. This variant is present in population databases (no rsID available, gnomAD 0.0009%). This variant has not been reported in the literature in individuals affected with POLE2-related conditions. Algorithms developed to predict the effect of sequence changes on RNA splicing suggest that this variant may disrupt the consensus splice site. In summary, the available evidence is currently insufficient to determine the role of this variant in disease. Therefore, it has been classified as a Variant of Uncertain Significance.

NM_002692.4(POLE2):c.245+8G>A

Gene: POLE2 (DNA polymerase epsilon 2, accessory subunit; minus strand). Cytogenetic location: 14q21.3.
Variant type: single nucleotide variant.
Coding change: c.245+8G>A on transcript NM_002692.4 (MANE Select); 8 bases into the intron after coding-DNA position 245, G replaced by A.
Molecular consequence: intron variant.
Genome position (GRCh38, 1-based): chr14:49,679,717, C>T on the plus strand (G>A on the coding strand, the complement: POLE2 is on the minus strand). VCF-style: chr14-49679717-C-T. GRCh37 (hg19) VCF-style: chr14-50146435-C-T.
Other names: c.245+8G>A (NM_001197330.2, NM_001348384.2, NM_001197331.3); c.14+4G>A (NM_001348385.2).
Identifiers: ClinVar variation 3606025 (VCV003606025.2).
Genomic context (GRCh38, chr14:49,679,717, plus strand): 5'-GACAATAATTAAAAATAAGTGCTCAATAACACCTCCAAGGAGGAAAAAAGTTAACTGTAC[C>T]CACATACATAGTTTCATCAACAGACTGACTGCATTCCTGGACTGCTGCTTCCACCACAGA-3'